The following is an entry in ClinVar:

ClinVar aggregate classification (germline): Uncertain significance (1 of 4 stars; one submission).

Submission:

Ambry Genetics
Classification: Uncertain significance. Last evaluated: 2024-04-10. Review status: criteria provided, single submitter. Criteria: Ambry Variant Classification Scheme 2023. Collection method: clinical testing. Allele origin: germline.
Comment: The p.A1487T variant (also known as c.4459G>A), located in coding exon 4 of the ALPK2 gene, results from a G to A substitution at nucleotide position 4459. The alanine at codon 1487 is replaced by threonine, an amino acid with similar properties. This amino acid position is conserved. In addition, this alteration is predicted to be tolerated by in silico analysis. Based on the available evidence, the clinical significance of this variant remains unclear.

NM_052947.4(ALPK2):c.4459G>A (p.Ala1487Thr)

Genes: ALPK2 (alpha kinase 2; minus strand), LOC126862764 (BRD4-independent group 4 enhancer GRCh37_chr18:56202574-56203773; plus strand). Cytogenetic location: 18q21.31.
Variant type: single nucleotide variant.
Coding change: c.4459G>A on transcript NM_052947.4 (MANE Select); coding-DNA position 4459, G replaced by A.
Protein change: p.Ala1487Thr; replaces alanine 1487 with threonine.
Molecular consequence: missense variant.
Genome position (GRCh38, 1-based): chr18:58,535,728, C>T on the plus strand (G>A on the coding strand, the complement: ALPK2 is on the minus strand). VCF-style: chr18-58535728-C-T. GRCh37 (hg19) VCF-style: chr18-56202960-C-T.
Other names: short protein forms A1487T.
Identifiers: ClinVar variation 3290017 (VCV003290017.1).